The following is an entry in ClinVar:

NM_024675.4(PALB2):c.952A>C (p.Ser318Arg)

Gene: PALB2 (partner and localizer of BRCA2; minus strand). Cytogenetic location: 16p12.2.
Variant type: single nucleotide variant.
Coding change: c.952A>C on transcript NM_024675.4 (MANE Select); coding-DNA position 952, A replaced by C.
Protein change: p.Ser318Arg; replaces serine 318 with arginine.
Molecular consequence: missense variant.
Genome position (GRCh38, 1-based): chr16:23,635,594, T>G on the plus strand (A>C on the coding strand, the complement: PALB2 is on the minus strand). VCF-style: chr16-23635594-T-G. GRCh37 (hg19) VCF-style: chr16-23646915-T-G.
Other names: short protein forms S318R.
Identifiers: ClinVar variation 823316 (VCV000823316.4), dbSNP rs1597097692, ClinGen allele CA395135104.

ClinVar aggregate classification (germline): Uncertain significance (1 of 4 stars; one submission).

Conditions:
Hereditary cancer-predisposing syndrome. Also called: Tumor predisposition; Hereditary Cancer Syndrome; Neoplastic Syndromes, Hereditary; Hereditary neoplastic syndrome. Identifiers: Orphanet 140162, MedGen C0027672, MeSH D009386, MONDO:0015356.

Submission:

Ambry Genetics
Classification: Uncertain significance for Hereditary cancer-predisposing syndrome. Last evaluated: 2019-04-15. Review status: criteria provided, single submitter. Criteria: Ambry Variant Classification Scheme 2023. Collection method: clinical testing. Allele origin: germline.
Comment: The p.S318R variant (also known as c.952A>C), located in coding exon 4 of the PALB2 gene, results from an A to C substitution at nucleotide position 952. The serine at codon 318 is replaced by arginine, an amino acid with dissimilar properties. This amino acid position is not well conserved in available vertebrate species. In addition, this alteration is predicted to be tolerated by in silico analysis. Since supporting evidence is limited at this time, the clinical significance of this alteration remains unclear.